The following is an entry in ClinVar:

ClinVar aggregate classification (germline): Uncertain significance (1 of 4 stars; one submission).

Conditions:
Short-rib thoracic dysplasia 14 with polydactyly (SRTD14). Identifiers: Orphanet 397715, MedGen C4225286, MONDO:0014688, OMIM 616546.
Joubert syndrome 23 (JBTS23). Identifiers: Orphanet 475, MedGen C4084822, MONDO:0014664, OMIM 616490.

Submission:

Labcorp Genetics (formerly Invitae), Labcorp
Classification: Uncertain significance for Joubert syndrome 23; Short-rib thoracic dysplasia 14 with polydactyly. Last evaluated: 2022-06-17. Review status: criteria provided, single submitter. Criteria: Invitae Variant Classification Sherloc (09022015). Collection method: clinical testing. Allele origin: germline.
Comment: This sequence change replaces arginine, which is basic and polar, with glycine, which is neutral and non-polar, at codon 190 of the KIAA0586 protein (p.Arg190Gly). This variant is not present in population databases (gnomAD no frequency). In summary, the available evidence is currently insufficient to determine the role of this variant in disease. Therefore, it has been classified as a Variant of Uncertain Significance. Algorithms developed to predict the effect of sequence changes on RNA splicing suggest that this variant may disrupt the consensus splice site. Algorithms developed to predict the effect of missense changes on protein structure and function are either unavailable or do not agree on the potential impact of this missense change (SIFT: "Deleterious"; PolyPhen-2: "Benign"; Align-GVGD: "Class C0"). This variant has not been reported in the literature in individuals affected with KIAA0586-related conditions.

NM_001329943.3(KIAA0586):c.411-1364A>G

Gene: KIAA0586 (KIAA0586; plus strand). Cytogenetic location: 14q23.1.
Variant type: single nucleotide variant.
Coding change: c.411-1364A>G on transcript NM_001329943.3 (MANE Select); 1364 bases into the intron before coding-DNA position 411, A replaced by G.
Molecular consequence: intron variant. On other transcripts: missense variant (2).
Genome position (GRCh38, 1-based): chr14:58,441,342, A>G. VCF-style: chr14-58441342-A-G. GRCh37 (hg19) VCF-style: chr14-58908060-A-G.
Other names: c.568A>G, p.Arg190Gly (NM_001244189.2); c.277A>G, p.Arg93Gly (NM_001244192.2); c.366-1364A>G (NM_001244190.2); c.156-1364A>G (NM_001244191.2, NM_001364701.2, NM_001329945.2 and 1 more transcripts); c.411-1364A>G (NM_001329944.2, NM_001329946.2, NM_001329947.2 and 1 more transcripts); c.-10-1364A>G (NM_001244193.2); short protein forms R93G, R190G.
Identifiers: ClinVar variation 2007455 (VCV002007455.4), dbSNP rs2542747458, ClinGen allele CA389860600.